The following is an entry in ClinVar:

NM_016013.4(NDUFAF1):c.358C>G (p.Gln120Glu)

Gene: NDUFAF1 (NADH:ubiquinone oxidoreductase complex assembly factor 1; minus strand). Cytogenetic location: 15q15.1.
Variant type: single nucleotide variant.
Coding change: c.358C>G on transcript NM_016013.4 (MANE Select); coding-DNA position 358, C replaced by G.
Protein change: p.Gln120Glu; replaces glutamine 120 with glutamic acid.
Molecular consequence: missense variant. On other transcripts: non-coding transcript variant (3).
Genome position (GRCh38, 1-based): chr15:41,396,702, G>C on the plus strand (C>G on the coding strand, the complement: NDUFAF1 is on the minus strand). VCF-style: chr15-41396702-G-C. GRCh37 (hg19) VCF-style: chr15-41688900-G-C.
Other names: c.358C>G, p.Gln120Glu (NM_001437486.1, NM_001437487.1, NM_001437488.1 and 2 more transcripts); short protein forms Q120E.
Identifiers: ClinVar variation 5017183 (VCV005017183.1).

ClinVar aggregate classification (germline): Uncertain significance (1 of 4 stars; one submission).

gnomAD v4.1: 15 of 1,614,162 alleles (0.00093%); highest among the groups gnomAD compares: Non-Finnish European, 0.0012%; no homozygotes.

Submission:

GeneDx
Classification: Uncertain significance. Last evaluated: 2026-03-26. Review status: criteria provided, single submitter. Criteria: GeneDx Variant Classification Process June 2021. Collection method: clinical testing. Allele origin: germline.
Comment: Not observed at significant frequency in large population cohorts (gnomAD); In silico analysis suggests that this missense variant does not alter protein structure/function; Has not been previously published as pathogenic or benign to our knowledge